The following is an entry in ClinVar:

NM_001080421.3(UNC13A):c.5064G>A (p.Lys1688=)

Gene: UNC13A (unc-13 homolog A; minus strand). Cytogenetic location: 19p13.11.
Variant type: single nucleotide variant.
Coding change: c.5064G>A on transcript NM_001080421.3 (MANE Select); coding-DNA position 5064, G replaced by A.
Protein change: p.Lys1688=; no amino-acid change (lysine 1688 retained).
Molecular consequence: synonymous variant.
Genome position (GRCh38, 1-based): chr19:17,606,102, C>T on the plus strand (G>A on the coding strand, the complement: UNC13A is on the minus strand). VCF-style: chr19-17606102-C-T. GRCh37 (hg19) VCF-style: chr19-17716911-C-T.
Other names: c.5052G>A, p.Lys1684= (NM_001387021.1); c.5049G>A, p.Lys1683= (NM_001387022.1); c.4983G>A, p.Lys1661= (NM_001387023.1).
Identifiers: ClinVar variation 3047320 (VCV003047320.2), dbSNP rs753658542, ClinGen allele CA9297495.
Genomic context (GRCh38, chr19:17,606,102, plus strand): 5'-CGACCGCCCGCGCTAAGGCGCAGGCGCGGCACCGCCCTCCTCGGCGGAGCGCGTGTCCGA[C>T]TTGAGCTTCACGAACTCCTTGGCCACCTCGTCGTTGCTGCGCTGCGAGAGGATTCGCAGC-3'
Protein context (NP_001073890.2, residues 1678-1698): DEVAKEFVKL[Lys1688=]SDTRSAEEGG

ClinVar aggregate classification (germline): Likely benign (0 of 4 stars; one submission).

Conditions:
UNC13A-related disorder. Also called: UNC13A-related condition.

Allele frequency attached by ClinVar (database versions not stated): gnomAD 0.00001; TOPMed 0.00002; ExAC 0.00020.
gnomAD v4.1: 80 of 1,596,058 alleles (0.005%); highest among the groups gnomAD compares: South Asian, 0.062%; 1 homozygote.

Submission:

PreventionGenetics, part of Exact Sciences
Classification: Likely benign for UNC13A-related condition. Last evaluated: 2022-12-05. Review status: no assertion criteria provided. Collection method: clinical testing. Allele origin: germline.
Comment: This variant is classified as likely benign based on ACMG/AMP sequence variant interpretation guidelines (Richards et al. 2015 PMID: 25741868, with internal and published modifications).